The following is an entry in ClinVar:

NM_001122630.2(CDKN1C):c.555GGCCCC[1] (p.186AP[9])

Gene: CDKN1C (cyclin dependent kinase inhibitor 1C; minus strand). Cytogenetic location: 11p15.4.
Variant type: Deletion.
Coding change: c.555GGCCCC[1] on transcript NM_001122630.2 (MANE Select); one copy of the 6-base unit GGCCCC starting at c.555; the reference has two copies in a row; one copy, 6 bases deleted.
Protein change: p.186AP[9].
Molecular consequence: inframe deletion. On other transcripts: intron variant (1).
Genome position (GRCh38, 1-based): chr11:2,884,891-2,884,896, GGGGCC deleted on the plus strand (GGCCCC on the coding strand, the reverse complement: CDKN1C is on the minus strand); deleting any 6 consecutive bases within chr11:2,884,891-2,884,903 gives the same sequence; the position shown is the placement nearest the transcript's 3' end. VCF-style (leftmost placement, unchanged base first): chr11-2884890-TGGGGCC-T. GRCh37 (hg19) VCF-style: chr11-2906120-TGGGGCC-T.
Other names: c.594_599delGGCCCC (NM_000076.2); c.594_599del (NM_000076.2); c.588GGCCCC[1], p.197AP[9] (NM_000076.2, NM_001362474.2); c.555GGCCCC[1], p.186AP[9] (NM_001122631.2); c.255+306_255+311del (NM_001362475.2); c.594_599del6 (NM_000076.2).
Identifiers: ClinVar variation 454018 (VCV000454018.13), dbSNP rs1060503855, ClinGen allele CA658656115.

ClinVar aggregate classification (germline): Likely benign. Review status: criteria provided, single submitter (1 of 4 stars). 2 submissions from 2 submitters: Likely benign (1). 1 of the submissions does not count toward it. Last evaluated 2025-06-17.

Conditions:
CDKN1C-related disorder. Also called: CDKN1C-related condition.
Beckwith-Wiedemann syndrome (BWS). Also called: EMG SYNDROME; Exomphalos macroglossia gigantism syndrome. Identifiers: Orphanet 116, MedGen C0004903, MONDO:0007534, OMIM 130650.

Submissions (2):

Labcorp Genetics (formerly Invitae), Labcorp
Classification: Likely benign for Beckwith-Wiedemann syndrome. Last evaluated: 2025-06-17. Review status: criteria provided, single submitter. Criteria: Invitae Variant Classification Sherloc (09022015). Collection method: clinical testing. Allele origin: germline.

PreventionGenetics, part of Exact Sciences
Classification: Uncertain significance for CDKN1C-related condition. Last evaluated: 2024-03-11. Review status: no assertion criteria provided. Collection method: clinical testing. Allele origin: germline. Not counted in ClinVar's aggregate classification.
Comment: The CDKN1C c.594_599del6 variant is predicted to result in an in-frame deletion (p.Ala215_Pro216del). To our knowledge, this variant has not been reported in the literature or in a large population database, indicating this variant is rare. At this time, the clinical significance of this variant is uncertain due to the absence of conclusive functional and genetic evidence.